The following is an entry in ClinVar:

ClinVar aggregate classification (germline): Likely pathogenic. Review status: criteria provided, multiple submitters, no conflicts (2 of 4 stars). 2 submissions from 2 submitters: Likely pathogenic (2). Last evaluated 2025-01-02.

Conditions:
MPI-congenital disorder of glycosylation. Also called: CONGENITAL DISORDER OF GLYCOSYLATION, TYPE Ib; CDG Ib; MANNOSEPHOSPHATE ISOMERASE DEFICIENCY; PROTEIN-LOSING ENTEROPATHY-HEPATIC FIBROSIS SYNDROME; MPI DEFICIENCY; MPI-CDG. Identifiers: Orphanet 79319, MedGen C1865145, MONDO:0011257, OMIM 602579.

Submissions (2):

Natera, Inc.
Classification: Likely pathogenic for Congenital disorder of glycosylation type 1b. Last evaluated: 2025-01-02. Review status: criteria provided, single submitter. Criteria: Natera Variant Classification Schema (03/2026). Collection method: clinical testing. Allele origin: germline.
Comment: The c.1017_1024delCCCCCCTGinsACCCCTT variant in MPI is a frameshift variant predicted to shift the reading frame beginning at codon 339 and leads to a stop codon 10 codons downstream. This variant is expected to result in nonsense mediated decay, truncation, or a dysfunctional protein product. This variant is rare in the general population with a frequency below the threshold expected for the associated phenotype(s). Given the available evidence, this variant is classified as Likely Pathogenic.

Baylor Genetics
Classification: Likely pathogenic for MPI-congenital disorder of glycosylation. Last evaluated: 2024-02-18. Review status: criteria provided, single submitter. Criteria: ACMG Guidelines, 2015. Collection method: clinical testing. Allele origin: unknown.

NM_002435.3(MPI):c.1017_1024delinsACCCCTT (p.Asp339fs)

Gene: MPI (mannose phosphate isomerase; plus strand). Cytogenetic location: 15q24.1.
Variant type: Indel.
Coding change: c.1017_1024delinsACCCCTT on transcript NM_002435.3 (MANE Select); coding-DNA positions 1017 to 1024, CCCCCCTG replaced by ACCCCTT.
Protein change: p.Asp339fs; shifts the reading frame from aspartic acid 339.
Molecular consequence: frameshift variant. On other transcripts: intron variant (1).
Genome position (GRCh38, 1-based): chr15:74,897,183-74,897,190, CCCCCCTG replaced by ACCCCTT. VCF-style: chr15-74897183-CCCCCCTG-ACCCCTT. GRCh37 (hg19) VCF-style: chr15-75189524-CCCCCCTG-ACCCCTT.
Other names: c.1017_1024delCCCCCCTGinsACCCCTT (NM_002435.2); c.867_874delinsACCCCTT, p.Asp289fs (NM_001289156.2); c.834_841delinsACCCCTT, p.Asp278fs (NM_001289157.2); c.957_964delinsACCCCTT, p.Asp319fs (NM_001330372.2); c.845-329_845-322delinsACCCCTT (NM_001289155.2); short protein forms D278fs, D289fs, D319fs, D339fs.
Identifiers: ClinVar variation 2676655 (VCV002676655.3), dbSNP rs2505829538, ClinGen allele CA2695197322.